The following is an entry in ClinVar:

NM_000518.5(HBB):c.92+13del

Genes: HBB (hemoglobin subunit beta; minus strand), LOC106099062 (HBB recombination region; plus strand), LOC107133510 (origin of replication at HBB; plus strand). Cytogenetic location: 11p15.4.
Variant type: Deletion.
Coding change: c.92+13del on transcript NM_000518.5 (MANE Select); 13 bases into the intron after coding-DNA position 92, one base deleted (G; older notation c.92+13delG).
Molecular consequence: intron variant.
Genome position (GRCh38, 1-based): chr11:5,226,917, C deleted on the plus strand (G on the coding strand, the reverse complement: HBB is on the minus strand); the first of 2 consecutive C bases (chr11:5,226,917-5,226,918); deleting either gives the same sequence. VCF-style (leftmost placement, unchanged base first): chr11-5226916-AC-A. GRCh37 (hg19) VCF-style: chr11-5248146-AC-A.
Identifiers: ClinVar variation 4532971 (VCV004532971.1).

ClinVar aggregate classification (germline): Uncertain significance (1 of 4 stars; one submission).

Submission:

Quest Diagnostics Nichols Institute San Juan Capistrano
Classification: Uncertain significance. Last evaluated: 2025-08-21. Review status: criteria provided, single submitter. Criteria: Quest Diagnostics criteria. Collection method: clinical testing. Allele origin: unknown.
Comment: The HBB c.92+13del variant, to the best of our knowledge, has not been reported in the published literature. This variant also has not been reported in large, multi-ethnic general populations (Genome Aggregation Database). Analysis of this variant using software algorithms for the prediction of the effect of nucleotide changes on splicing yielded predictions that this variant does not affect HBB mRNA splicing. Based on the available information, we are unable to determine the clinical significance of this variant.